The following is an entry in ClinVar:

NM_000051.4(ATM):c.3835T>A (p.Trp1279Arg)

Gene: ATM (ATM serine/threonine kinase; plus strand). Cytogenetic location: 11q22.3.
Variant type: single nucleotide variant.
Coding change: c.3835T>A on transcript NM_000051.4 (MANE Select); coding-DNA position 3835, T replaced by A.
Protein change: p.Trp1279Arg; replaces tryptophan 1279 with arginine.
Molecular consequence: missense variant.
Genome position (GRCh38, 1-based): chr11:108,284,315, T>A. VCF-style: chr11-108284315-T-A. GRCh37 (hg19) VCF-style: chr11-108155042-T-A.
Other names: c.3835T>A, p.Trp1279Arg (NM_001351834.2); short protein forms W1279R.
Identifiers: ClinVar variation 3233160 (VCV003233160.1), dbSNP rs2546886564, ClinGen allele CA382525023.

ClinVar aggregate classification (germline): Uncertain significance (1 of 4 stars; one submission).

Conditions:
Hereditary cancer-predisposing syndrome. Also called: Neoplastic Syndromes, Hereditary; Tumor predisposition; Hereditary neoplastic syndrome; Hereditary Cancer Syndrome. Identifiers: Orphanet 140162, MedGen C0027672, MeSH D009386, MONDO:0015356.

Submission:

Ambry Genetics
Classification: Uncertain significance for Hereditary cancer-predisposing syndrome. Last evaluated: 2024-02-22. Review status: criteria provided, single submitter. Criteria: Ambry Variant Classification Scheme 2023. Collection method: clinical testing. Allele origin: germline.
Comment: The p.W1279R variant (also known as c.3835T>A), located in coding exon 25 of the ATM gene, results from a T to A substitution at nucleotide position 3835. The tryptophan at codon 1279 is replaced by arginine, an amino acid with dissimilar properties. This amino acid position is conserved. In addition, this alteration is predicted to be deleterious by in silico analysis. Based on the available evidence, the clinical significance of this alteration remains unclear.